The following is an entry in ClinVar:

NM_001286445.3(RIPOR2):c.1858-1464G>T

Gene: RIPOR2 (RHO family interacting cell polarization regulator 2; minus strand). Cytogenetic location: 6p22.3.
Variant type: single nucleotide variant.
Coding change: c.1858-1464G>T on transcript NM_001286445.3 (MANE Select); 1464 bases into the intron before coding-DNA position 1858, G replaced by T.
Molecular consequence: intron variant. On other transcripts: missense variant (2).
Genome position (GRCh38, 1-based): chr6:24,840,736, C>A on the plus strand (G>T on the coding strand, the complement: RIPOR2 is on the minus strand). VCF-style: chr6-24840736-C-A. GRCh37 (hg19) VCF-style: chr6-24840964-C-A.
Other names: c.1912G>T, p.Ala638Ser (NM_001286446.3); c.1810G>T, p.Ala604Ser (NM_001286447.2); c.1771-1464G>T (NM_001346031.2, NM_001346032.2); c.1921-1464G>T (NM_014722.5); c.1771-1137G>T (NM_015864.5); short protein forms A604S, A638S.
Identifiers: ClinVar variation 4813253 (VCV004813253.1).

ClinVar aggregate classification (germline): Uncertain significance (1 of 4 stars; one submission).

Submission:

GeneDx
Classification: Uncertain significance. Last evaluated: 2025-09-05. Review status: criteria provided, single submitter. Criteria: GeneDx Variant Classification Process June 2021. Collection method: clinical testing. Allele origin: germline. Affected: yes.
Comment: Not observed at significant frequency in large population cohorts (gnomAD); In silico analysis suggests that this missense variant does not alter protein structure/function; Has not been previously published as pathogenic or benign to our knowledge; Reported using an alternate transcript of the gene